The following is an entry in ClinVar:

NM_003280.3(TNNC1):c.191T>C (p.Val64Ala)

Gene: TNNC1 (troponin C1, slow skeletal and cardiac type; minus strand). Cytogenetic location: 3p21.1.
Variant type: single nucleotide variant.
Coding change: c.191T>C on transcript NM_003280.3 (MANE Select); coding-DNA position 191, T replaced by C.
Protein change: p.Val64Ala; replaces valine 64 with alanine.
Molecular consequence: missense variant.
Genome position (GRCh38, 1-based): chr3:52,452,117, A>G on the plus strand (T>C on the coding strand, the complement: TNNC1 is on the minus strand). VCF-style: chr3-52452117-A-G. GRCh37 (hg19) VCF-style: chr3-52486133-A-G.
Other names: p.V64A:GTG>GCG; c.191T>C (LRG_378t1); short protein forms V64A.
Identifiers: ClinVar variation 181562 (VCV000181562.2), dbSNP rs730881057, ClinGen allele CA297313.
Genomic context (GRCh38, chr3:52,452,117, plus strand): 5'-CCCCCAGCCAGCTGGGGTTCTTCTGGAGCCTGGGGAGGAGGGGGCTCACCGTCCTCGTCC[A>G]CCTCATCGATCATCTCCTGCAGCTCCTCAGGGGTGGGGTTCTGGCCCAGCATCCTCATCA-3'
Protein context (NP_003271.1, residues 54-74): PEELQEMIDE[Val64Ala]DEDGSGTVDF

ClinVar aggregate classification (germline): Uncertain significance (1 of 4 stars; one submission).

Submission:

GeneDx
Classification: Uncertain significance. Last evaluated: 2016-03-07. Review status: criteria provided, single submitter. Criteria: GeneDx Variant Classification (06012015). Collection method: clinical testing. Allele origin: germline. Affected: yes.
Comment: The V64A variant has not been published as a mutation or as a benign polymorphism to our knowledge. The V64A variant was not observed in approximately 6,500 individuals of European and African American ancestry in the NHLBI Exome Sequencing Project, indicating it is not a common benign variant in these populations. In addition, this substitution occurs at a position that is completely conserved across species. Moreover, in silico analysis predicts this variant is probably damaging to the protein structure/function. Furthermore, a missense mutations in a nearby residue (E59D) has been reported in association with dilated cardiomyopathy (DCM), supporting the functional importance of this region of the protein. Nevertheless, the V64A variant is a conservative amino acid substitution, which is not likely to impact secondary protein structure as these residues share similar properties. Therefore, based on the currently available information, it is unclear whether this variant is a pathogenic mutation or a rare benign variant.